The following is an entry in ClinVar:

ClinVar aggregate classification (germline): Uncertain significance. Review status: criteria provided, single submitter (1 of 4 stars). 2 submissions from 2 submitters: Uncertain significance (1). 1 of the submissions does not count toward it. Last evaluated 2024-10-15.

Conditions:
Bardet-Biedl syndrome 12 (BBS12). Identifiers: Orphanet 110, MedGen C1859570, MONDO:0014440, OMIM 615989.
Bardet-Biedl syndrome (BBS). Identifiers: Orphanet 110, MedGen C0752166, MONDO:0015229.

Submissions (2):

Labcorp Genetics (formerly Invitae), Labcorp
Classification: Uncertain significance for Bardet-Biedl syndrome. Last evaluated: 2024-10-15. Review status: criteria provided, single submitter. Criteria: Invitae Variant Classification Sherloc (09022015). Collection method: clinical testing. Allele origin: germline.
Comment: This variant, c.301_303del, results in the deletion of 1 amino acid(s) of the BBS12 protein (p.Glu101del), but otherwise preserves the integrity of the reading frame. This variant is not present in population databases (gnomAD no frequency). This variant has not been reported in the literature in individuals affected with BBS12-related conditions. ClinVar contains an entry for this variant (Variation ID: 558479). Experimental studies and prediction algorithms are not available or were not evaluated, and the functional significance of this variant is currently unknown. In summary, the available evidence is currently insufficient to determine the role of this variant in disease. Therefore, it has been classified as a Variant of Uncertain Significance.

Counsyl
Classification: Uncertain significance for Bardet-Biedl syndrome 12. Last evaluated: 2018-05-23. Review status: no assertion criteria provided. Collection method: clinical testing. Allele origin: unknown. Not counted in ClinVar's aggregate classification.

NM_152618.3(BBS12):c.298GAA[1] (p.Glu101del)

Gene: BBS12 (Bardet-Biedl syndrome 12; plus strand). Cytogenetic location: 4q27.
Variant type: Microsatellite.
Coding change: c.298GAA[1] on transcript NM_152618.3 (MANE Select); one copy of the 3-base unit GAA starting at c.298; the reference has two copies in a row; one copy, 3 bases deleted.
Protein change: p.Glu101del; deletes glutamic acid 101.
Molecular consequence: inframe deletion.
Genome position (GRCh38, 1-based): chr4:122,742,193-122,742,195, GAA deleted; deleting any 3 consecutive bases within chr4:122,742,190-122,742,195 gives the same sequence; the position shown is the placement nearest the transcript's 3' end. VCF-style (leftmost placement, unchanged base first): chr4-122742189-TGAA-T. GRCh37 (hg19) VCF-style: chr4-123663344-TGAA-T.
Other names: c.298GAA[1], p.Glu101del (NM_001178007.2); short protein forms E101del.
Identifiers: ClinVar variation 558479 (VCV000558479.7), dbSNP rs1553941223, ClinGen allele CA658821367.